The following is an entry in ClinVar:

NM_000064.4(C3):c.4850+3G>A

Gene: C3 (complement C3; minus strand). Cytogenetic location: 19p13.3.
Variant type: single nucleotide variant.
Coding change: c.4850+3G>A on transcript NM_000064.4 (MANE Select); 3 bases into the intron after coding-DNA position 4850, G replaced by A.
Molecular consequence: intron variant.
Genome position (GRCh38, 1-based): chr19:6,678,149, C>T on the plus strand (G>A on the coding strand, the complement: C3 is on the minus strand). VCF-style: chr19-6678149-C-T. GRCh37 (hg19) VCF-style: chr19-6678160-C-T.
Other names: p.?.
Identifiers: ClinVar variation 727032 (VCV000727032.12), dbSNP rs185428134, ClinGen allele CA9128241.

ClinVar aggregate classification (germline): Likely benign. Review status: criteria provided, multiple submitters, no conflicts (2 of 4 stars). 4 submissions from 4 submitters: Likely benign (4). Last evaluated 2026-01-02.

Conditions:
Atypical hemolytic-uremic syndrome. Identifiers: Orphanet 2134, MedGen C2931788, MONDO:0016244.

Allele frequency attached by ClinVar (database versions not stated): gnomAD 0.00009; TOPMed 0.00013; 1000 Genomes Project 0.00060; 1000 Genomes Project 30x 0.00062.
gnomAD v4.1: 88 of 1,614,154 alleles (0.0055%); highest among the groups gnomAD compares: East Asian, 0.16%; no homozygotes.

Submissions (4):

Labcorp Genetics (formerly Invitae), Labcorp
Classification: Likely benign. Last evaluated: 2026-01-02. Review status: criteria provided, single submitter. Criteria: Invitae Variant Classification Sherloc (09022015). Collection method: clinical testing. Allele origin: germline.

Genomenon, Inc
Classification: Likely benign for Atypical hemolytic-uremic syndrome. Last evaluated: 2025-09-30. Review status: criteria provided, single submitter. Criteria: Genomenon Sequence Variant Interpretation Standards. Collection method: curation. Allele origin: germline. Affected: yes.
Comment: C3 c.4850+3G>A is a splice variant located in the donor splice region of intron 40. This variant has been observed in at least one proband affected with atypical hemolytic-uremic syndrome (PMID:33609329). In silico models agree that this variant is not damaging. This variant’s allele frequency in gnomAD is greater than expected for this disorder. In conclusion, we classify C3 c.4850+3G>A as a likely benign variant.

Mayo Clinic Laboratories, Mayo Clinic
Classification: Likely benign. Last evaluated: 2025-08-25. Review status: criteria provided, single submitter. Criteria: ACMG Guidelines, 2015. Collection method: clinical testing. Allele origin: germline. Observed: 3 variant alleles.
Comment: BP4, BP7

Blueprint Genetics
Classification: Likely benign. Last evaluated: 2024-02-29. Review status: criteria provided, single submitter. Criteria: ACMG Guidelines, 2015. Collection method: clinical testing. Allele origin: germline.

Literature cited by the submitters: PubMed 33609329 (cited by Genomenon, Inc and Mayo Clinic Laboratories, Mayo Clinic).